The following is an entry in ClinVar:

NM_017882.3(CLN6):c.270C>A (p.Asn90Lys)

Gene: CLN6 (CLN6 transmembrane ER protein; minus strand). Cytogenetic location: 15q23.
Variant type: single nucleotide variant.
Coding change: c.270C>A on transcript NM_017882.3 (MANE Select); coding-DNA position 270, C replaced by A.
Protein change: p.Asn90Lys; replaces asparagine 90 with lysine.
Molecular consequence: missense variant.
Genome position (GRCh38, 1-based): chr15:68,214,317, G>T on the plus strand (C>A on the coding strand, the complement: CLN6 is on the minus strand). VCF-style: chr15-68214317-G-T. GRCh37 (hg19) VCF-style: chr15-68506655-G-T.
Other names: c.366C>A, p.Asn122Lys (NM_001411068.1); short protein forms N122K, N90K.
Identifiers: ClinVar variation 2005015 (VCV002005015.4), dbSNP rs145247814, ClinGen allele CA392974365.

ClinVar aggregate classification (germline): Uncertain significance (1 of 4 stars; one submission).

Conditions:
Neuronal ceroid lipofuscinosis. Also called: Neuronal Ceroid Lipofuscinoses. Identifiers: Orphanet 216, Orphanet 79263, MedGen C0027877, MONDO:0016295. Disease mechanism: loss of function.

Submission:

Labcorp Genetics (formerly Invitae), Labcorp
Classification: Uncertain significance for Neuronal ceroid lipofuscinosis. Last evaluated: 2022-06-12. Review status: criteria provided, single submitter. Criteria: Invitae Variant Classification Sherloc (09022015). Collection method: clinical testing. Allele origin: germline.
Comment: In summary, the available evidence is currently insufficient to determine the role of this variant in disease. Therefore, it has been classified as a Variant of Uncertain Significance. Algorithms developed to predict the effect of missense changes on protein structure and function are either unavailable or do not agree on the potential impact of this missense change (SIFT: "Tolerated"; PolyPhen-2: "Probably Damaging"; Align-GVGD: "Class C0"). This missense change has been observed in individual(s) with neuronal ceroid lipofuscinosis (PMID: 21990111). This variant is not present in population databases (gnomAD no frequency). This sequence change replaces asparagine, which is neutral and polar, with lysine, which is basic and polar, at codon 90 of the CLN6 protein (p.Asn90Lys).

Literature cited by the submitters: PubMed 21990111.